The following is an entry in ClinVar:

ClinVar aggregate classification (germline): Benign/Likely benign. Review status: criteria provided, multiple submitters, no conflicts (2 of 4 stars). 7 submissions from 6 submitters: Benign (2); Likely benign (5). Last evaluated 2026-02-04.

Conditions:
Meckel syndrome, type 2 (MKS2). Also called: MECKEL-GRUBER SYNDROME, TYPE 2; MKS2-Related Meckel Syndrome. Identifiers: Orphanet 564, MedGen C1864148, MONDO:0011296, OMIM 603194.
Joubert syndrome. Also called: CEREBELLOPARENCHYMAL DISORDER IV; JOUBERT-BOLTSHAUSER SYNDROME; Familial aplasia of the vermis. Identifiers: Orphanet 475, MedGen C5979921, MONDO:0018772.
Joubert syndrome 2 (JBTS2). Also called: CEREBELLOOCULORENAL SYNDROME 2. Identifiers: Orphanet 2318, MedGen C1842577, MONDO:0011963, OMIM 608091.

Allele frequency attached by ClinVar (database versions not stated): TOPMed 0.00242; 1000 Genomes Project 30x 0.00312; 1000 Genomes Project 0.00319.
gnomAD v4.1: 1,047 of 1,613,490 alleles (0.065%); highest among the groups gnomAD compares: East Asian, 2.1%; 27 homozygotes.

Submissions (7):

Labcorp Genetics (formerly Invitae), Labcorp
Classification: Benign for Joubert syndrome. Last evaluated: 2026-02-04. Review status: criteria provided, single submitter. Criteria: Invitae Variant Classification Sherloc (09022015). Collection method: clinical testing. Allele origin: germline.

Mayo Clinic Laboratories, Mayo Clinic
Classification: Likely benign. Last evaluated: 2025-01-27. Review status: criteria provided, single submitter. Criteria: ACMG Guidelines, 2015. Collection method: clinical testing. Allele origin: germline. Observed: 3 variant alleles.
Comment: BA1, BS2, BP7

GeneDx
Classification: Likely benign. Last evaluated: 2021-05-04. Review status: criteria provided, single submitter. Criteria: GeneDx Variant Classification Process June 2021. Collection method: clinical testing. Allele origin: germline. Affected: yes.

Center for Pediatric Genomic Medicine, Children's Mercy Hospital and Clinics
Classification: Likely benign. Last evaluated: 2017-06-05. Review status: criteria provided, single submitter. Criteria: ACMG Guidelines, 2015. Collection method: clinical testing. Allele origin: germline.

Illumina Laboratory Services, Illumina
Classification: Likely benign for Meckel syndrome, type 2. Last evaluated: 2017-04-27. Review status: criteria provided, single submitter. Criteria: ICSL Variant Classification Criteria 13 December 2019. Collection method: clinical testing. Allele origin: germline.
Comment: This variant was observed as part of a predisposition screen in an ostensibly healthy population. A literature search was performed for the gene, cDNA change, and amino acid change (where applicable). No publications were found based on this search. Allele frequency data from public databases allowed determination this variant is unlikely to cause disease. Therefore, this variant is classified as likely benign.

Illumina Laboratory Services, Illumina
Classification: Likely benign for Joubert syndrome 2. Last evaluated: 2017-04-27. Review status: criteria provided, single submitter. Criteria: ICSL Variant Classification Criteria 13 December 2019. Collection method: clinical testing. Allele origin: germline.
Comment: the same text as in the submission from Illumina Laboratory Services, Illumina above.

Eurofins Ntd Llc (ga)
Classification: Benign. Last evaluated: 2015-09-04. Review status: criteria provided, single submitter. Criteria: EGL Classification Definitions 2015. Collection method: clinical testing. Allele origin: germline. Observed: 1 variant allele, 1 heterozygote.

NM_001173990.3(TMEM216):c.253C>A (p.Arg85=)

Gene: TMEM216 (transmembrane protein 216; plus strand). Cytogenetic location: 11q12.2.
Variant type: single nucleotide variant.
Coding change: c.253C>A on transcript NM_001173990.3 (MANE Select); coding-DNA position 253, C replaced by A.
Protein change: p.Arg85=; no amino-acid change (arginine 85 retained).
Molecular consequence: synonymous variant.
Genome position (GRCh38, 1-based): chr11:61,397,797, C>A. VCF-style: chr11-61397797-C-A. GRCh37 (hg19) VCF-style: chr11-61165269-C-A.
Other names: p.Arg85=; c.253C>A, p.Arg85= (NM_001173991.3); c.70C>A, p.Arg24= (NM_001330285.2, NM_016499.6).
Identifiers: ClinVar variation 282947 (VCV000282947.24), dbSNP rs11230683, ClinGen allele CA6034732.